The following is an entry in ClinVar:

ClinVar aggregate classification (germline): Uncertain significance (1 of 4 stars; one submission).

Conditions:
Hereditary spastic paraplegia 49 (HSAN9). Also called: Spastic paraplegia 49, autosomal recessive; TECPR2-Related Hereditary Sensory and Autonomic Neuropathy with Intellectual Disability; NEUROPATHY, HEREDITARY SENSORY AND AUTONOMIC, TYPE IX, WITH DEVELOPMENTAL DELAY. Identifiers: Orphanet 320385, MedGen C5190860, MONDO:0014016, OMIM 615031.

Allele frequency attached by ClinVar (database versions not stated): gnomAD 0.00004; TOPMed 0.00006; ESP Exome Variant Server 0.00015; 1000 Genomes Project 0.00020; 1000 Genomes Project 30x 0.00031.
gnomAD v4.1: 26 of 1,613,674 alleles (0.0016%); highest among the groups gnomAD compares: East Asian, 0.047%; no homozygotes.

Submission:

Labcorp Genetics (formerly Invitae), Labcorp
Classification: Uncertain significance for Hereditary spastic paraplegia 49. Last evaluated: 2021-08-26. Review status: criteria provided, single submitter. Criteria: Invitae Variant Classification Sherloc (09022015). Collection method: clinical testing. Allele origin: germline.
Comment: This sequence change replaces alanine with threonine at codon 1100 of the TECPR2 protein (p.Ala1100Thr). The alanine residue is moderately conserved and there is a small physicochemical difference between alanine and threonine. This variant is present in population databases (rs147315549, ExAC 0.07%). This variant has not been reported in the literature in individuals affected with TECPR2-related conditions. Algorithms developed to predict the effect of missense changes on protein structure and function are either unavailable or do not agree on the potential impact of this missense change (SIFT: "Deleterious"; PolyPhen-2: "Benign"; Align-GVGD: "Class C0"). In summary, the available evidence is currently insufficient to determine the role of this variant in disease. Therefore, it has been classified as a Variant of Uncertain Significance.

NM_014844.5(TECPR2):c.3298G>A (p.Ala1100Thr)

Gene: TECPR2 (tectonin beta-propeller repeat containing 2; plus strand). Cytogenetic location: 14q32.31.
Variant type: single nucleotide variant.
Coding change: c.3298G>A on transcript NM_014844.5 (MANE Select); coding-DNA position 3298, G replaced by A.
Protein change: p.Ala1100Thr; replaces alanine 1100 with threonine.
Molecular consequence: missense variant.
Genome position (GRCh38, 1-based): chr14:102,449,851, G>A. VCF-style: chr14-102449851-G-A. GRCh37 (hg19) VCF-style: chr14-102916188-G-A.
Other names: c.3298G>A, p.Ala1100Thr (NM_001172631.3); short protein forms A1100T.
Identifiers: ClinVar variation 2159202 (VCV002159202.1), dbSNP rs147315549, ClinGen allele CA7358179.